The following is an entry in ClinVar:

NM_001943.5(DSG2):c.842T>C (p.Val281Ala)

Gene: DSG2 (desmoglein 2; plus strand). Cytogenetic location: 18q12.1.
Variant type: single nucleotide variant.
Coding change: c.842T>C on transcript NM_001943.5 (MANE Select); coding-DNA position 842, T replaced by C.
Protein change: p.Val281Ala; replaces valine 281 with alanine.
Molecular consequence: missense variant.
Genome position (GRCh38, 1-based): chr18:31,524,716, T>C. VCF-style: chr18-31524716-T-C. GRCh37 (hg19) VCF-style: chr18-29104679-T-C.
Other names: short protein forms V281A.
Identifiers: ClinVar variation 3700021 (VCV003700021.2).

ClinVar aggregate classification (germline): Uncertain significance (1 of 4 stars; one submission).

Conditions:
Arrhythmogenic right ventricular dysplasia 10. Also called: Arrhythmogenic Right Ventricular Dysplasia/Cardiomyopathy10; ARRHYTHMOGENIC RIGHT VENTRICULAR DYSPLASIA, FAMILIAL, 10; Arrhythmogenic right ventricular dysplasia/cardiomyopathy, type 10. Identifiers: MedGen C1857777, MONDO:0012434, OMIM 610193.

Submission:

Labcorp Genetics (formerly Invitae), Labcorp
Classification: Uncertain significance for Arrhythmogenic right ventricular dysplasia 10. Last evaluated: 2024-10-24. Review status: criteria provided, single submitter. Criteria: Invitae Variant Classification Sherloc (09022015). Collection method: clinical testing. Allele origin: germline.
Comment: This sequence change replaces valine, which is neutral and non-polar, with alanine, which is neutral and non-polar, at codon 281 of the DSG2 protein (p.Val281Ala). This variant is not present in population databases (gnomAD no frequency). This variant has not been reported in the literature in individuals affected with DSG2-related conditions. Invitae Evidence Modeling of protein sequence and biophysical properties (such as structural, functional, and spatial information, amino acid conservation, physicochemical variation, residue mobility, and thermodynamic stability) has been performed for this missense variant. However, the output from this modeling did not meet the statistical confidence thresholds required to predict the impact of this variant on DSG2 protein function. In summary, the available evidence is currently insufficient to determine the role of this variant in disease. Therefore, it has been classified as a Variant of Uncertain Significance.